The following is an entry in ClinVar:

ClinVar aggregate classification (germline): Uncertain significance (1 of 4 stars; one submission).

Conditions:
Common variable immunodeficiency (CVID). Also called: Common variable hypogamma-globulinemia; Common variable agammaglobulinemia. Identifiers: Orphanet 1572, MedGen C0009447, MONDO:0015517.

Submission:

Labcorp Genetics (formerly Invitae), Labcorp
Classification: Uncertain significance for Common variable immunodeficiency. Last evaluated: 2024-07-22. Review status: criteria provided, single submitter. Criteria: Invitae Variant Classification Sherloc (09022015). Collection method: clinical testing. Allele origin: germline.
Comment: This sequence change replaces serine, which is neutral and polar, with asparagine, which is neutral and polar, at codon 43 of the TNFSF12 protein (p.Ser43Asn). This variant is not present in population databases (gnomAD no frequency). This variant has not been reported in the literature in individuals affected with TNFSF12-related conditions. ClinVar contains an entry for this variant (Variation ID: 1379094). Experimental studies and prediction algorithms are not available or were not evaluated, and the functional significance of this variant is currently unknown. In summary, the available evidence is currently insufficient to determine the role of this variant in disease. Therefore, it has been classified as a Variant of Uncertain Significance.

NM_003809.3(TNFSF12):c.128G>A (p.Ser43Asn)

Genes: TNFSF12 (TNF superfamily member 12; plus strand), TNFSF12-TNFSF13 (TNFSF12-TNFSF13 readthrough; plus strand). Cytogenetic location: 17p13.1.
Variant type: single nucleotide variant.
Coding change: c.128G>A on transcript NM_003809.3 (MANE Select); coding-DNA position 128, G replaced by A.
Protein change: p.Ser43Asn; replaces serine 43 with asparagine.
Molecular consequence: missense variant. On other transcripts: non-coding transcript variant (1).
Genome position (GRCh38, 1-based): chr17:7,549,281, G>A. VCF-style: chr17-7549281-G-A. GRCh37 (hg19) VCF-style: chr17-7452598-G-A.
Other names: c.128G>A, p.Ser43Asn (NM_172089.4); short protein forms S43N.
Identifiers: ClinVar variation 1379094 (VCV001379094.6), dbSNP rs2150904090, ClinGen allele CA397854261.
Genomic context (GRCh38, chr17:7,549,281, plus strand): 5'-CGCTCGCGCTGGGCCTGGGCCTGGCGCTGGCCTGCCTCGGCCTCCTGCTGGCCGTGGTCA[G>A]TTTGGGGAGCCGGGCATCGCTGTCCGCCCAGGTGAGGCCCCGCTGCGCACCCCTTCTTGG-3'
Protein context (NP_003800.1, residues 33-53): ACLGLLLAVV[Ser43Asn]LGSRASLSAQ